The following is an entry in ClinVar:

ClinVar aggregate classification (germline): Conflicting classifications of pathogenicity. Review status: criteria provided, conflicting classifications (1 of 4 stars). 6 submissions from 6 submitters: Uncertain significance (1); Benign (3); Likely benign (1). 1 of the submissions does not count toward it. Last evaluated 2026-05-13.

Conditions:
GH1-related disorder. Also called: GH1-related condition.
Decreased response to growth hormone stimulation test. Also called: Growth hormone deficiency. Identifiers: MedGen C5539399, HP:0000824.

Allele frequency attached by ClinVar (database versions not stated): ESP Exome Variant Server 0.00507; 1000 Genomes Project 0.00519; 1000 Genomes Project 30x 0.00625; TOPMed 0.00397; gnomAD 0.00398.
gnomAD v4.1: 1,285 of 1,614,200 alleles (0.08%); highest among the groups gnomAD compares: African/African-American, 1.4%; 9 homozygotes.

Submissions (6):

Women's Health and Genetics/Laboratory Corporation of America, LabCorp
Classification: Benign. Last evaluated: 2026-05-13. Review status: criteria provided, single submitter. Criteria: LabCorp Variant Classification Summary - May 2015. Collection method: clinical testing. Allele origin: germline.

Labcorp Genetics (formerly Invitae), Labcorp
Classification: Benign. Last evaluated: 2025-07-30. Review status: criteria provided, single submitter. Criteria: Invitae Variant Classification Sherloc (09022015). Collection method: clinical testing. Allele origin: germline.

Blueprint Genetics
Classification: Likely benign. Last evaluated: 2024-10-14. Review status: criteria provided, single submitter. Criteria: ACMG Guidelines, 2015. Collection method: clinical testing. Allele origin: germline.

Illumina Laboratory Services, Illumina
Classification: Uncertain significance for Growth hormone deficiency. Last evaluated: 2018-01-13. Review status: criteria provided, single submitter. Criteria: ICSL Variant Classification Criteria 13 December 2019. Collection method: clinical testing. Allele origin: germline.

Eurofins Ntd Llc (ga)
Classification: Benign. Last evaluated: 2014-10-31. Review status: criteria provided, single submitter. Criteria: EGL Classification Definitions 2015. Collection method: clinical testing. Allele origin: germline. Observed: 1 variant allele, 1 heterozygote.

PreventionGenetics, part of Exact Sciences
Classification: Benign for GH1-related condition. Last evaluated: 2019-10-31. Review status: no assertion criteria provided. Collection method: clinical testing. Allele origin: germline. Not counted in ClinVar's aggregate classification.
Comment: This variant is classified as benign based on ACMG/AMP sequence variant interpretation guidelines (Richards et al. 2015 PMID: 25741868, with internal and published modifications).

NM_000515.5(GH1):c.150C>A (p.Ala50=)

Genes: GH1 (growth hormone 1; minus strand), GH-LCR (growth hormone locus control region; plus strand). Cytogenetic location: 17q23.3.
Variant type: single nucleotide variant.
Coding change: c.150C>A on transcript NM_000515.5 (MANE Select); coding-DNA position 150, C replaced by A.
Protein change: p.Ala50=; no amino-acid change (alanine 50 retained).
Molecular consequence: synonymous variant.
Genome position (GRCh38, 1-based): chr17:63,918,367, G>T on the plus strand (C>A on the coding strand, the complement: GH1 is on the minus strand). VCF-style: chr17-63918367-G-T. GRCh37 (hg19) VCF-style: chr17-61995727-G-T.
Other names: c.150C>A, p.Ala50= (NM_022559.4, NM_022560.4).
Identifiers: ClinVar variation 195079 (VCV000195079.23), dbSNP rs61735359, ClinGen allele CA201548.